The following is an entry in ClinVar:

ClinVar aggregate classification (germline): Conflicting classifications of pathogenicity. Review status: criteria provided, conflicting classifications (1 of 4 stars). 8 submissions from 8 submitters: Uncertain significance (2); Likely benign (5). 1 of the submissions does not count toward it. Last evaluated 2025-12-15.

Conditions:
COL6A3-related disorder. Also called: COL6A3-related condition; COL6A3-related disorders.
Collagen 6-related myopathy. Identifiers: MedGen CN117976, MONDO:0100225.
Bethlem myopathy 1A. Also called: MYOPATHY, BENIGN CONGENITAL, WITH CONTRACTURES; Bethlem myopathy 1; Bethlem Muscular Dystrophy. Identifiers: Orphanet 610, MedGen CN029274, MONDO:0024530, OMIM 158810.

Allele frequency attached by ClinVar (database versions not stated): ESP Exome Variant Server 0.00046; gnomAD exomes 0.00051 and 0.00032; TOPMed 0.00024; gnomAD 0.00029 and 0.00031; ExAC 0.00045.
gnomAD v4.1: 545 of 1,614,126 alleles (0.034%); highest among the groups gnomAD compares: Non-Finnish European, 0.02%; 1 homozygote.

Submissions (8):

Labcorp Genetics (formerly Invitae), Labcorp
Classification: Likely benign for Bethlem myopathy 1A. Last evaluated: 2025-12-15. Review status: criteria provided, single submitter. Criteria: Invitae Variant Classification Sherloc (09022015). Collection method: clinical testing. Allele origin: germline.

Blueprint Genetics
Classification: Uncertain significance. Last evaluated: 2024-08-28. Review status: criteria provided, single submitter. Criteria: ACMG Guidelines, 2015. Collection method: clinical testing. Allele origin: germline.

CeGaT Center for Human Genetics Tuebingen
Classification: Likely benign. Last evaluated: 2019-03-01. Review status: criteria provided, single submitter. Criteria: CeGaT Center For Human Genetics Tuebingen Variant Classification Criteria Version 2. Collection method: clinical testing. Allele origin: germline. Affected: yes. Observed: 1 variant allele.

GeneDx
Classification: Likely benign. Last evaluated: 2017-12-28. Review status: criteria provided, single submitter. Criteria: GeneDx Variant Classification (06012015). Collection method: clinical testing. Allele origin: germline. Affected: yes.
Comment: This variant is considered likely benign or benign based on one or more of the following criteria: it is a conservative change, it occurs at a poorly conserved position in the protein, it is predicted to be benign by multiple in silico algorithms, and/or has population frequency not consistent with disease.

Institute for Genomic Medicine (IGM) Clinical Laboratory, Nationwide Children's Hospital
Classification: Likely benign. Last evaluated: 2017-07-17. Review status: criteria provided, single submitter. Criteria: ACMG Guidelines, 2015. Collection method: clinical testing. Allele origin: germline.
Comment: BS1; BP4; This alteration has an allele frequency that is greater than expected for the associated disease, and is predicted to be tolerated by multiple functional prediction tools.

Eurofins Ntd Llc (ga)
Classification: Likely benign. Last evaluated: 2017-07-03. Review status: criteria provided, single submitter. Criteria: EGL Classification Definitions 2015. Collection method: clinical testing. Allele origin: germline. Observed: 7 variant alleles, 7 heterozygotes.

Illumina Laboratory Services, Illumina
Classification: Uncertain significance for Collagen VI-related myopathy. Last evaluated: 2017-04-27. Review status: criteria provided, single submitter. Criteria: ICSL Variant Classification Criteria 13 December 2019. Collection method: clinical testing. Allele origin: germline.
Comment: This variant was observed as part of a predisposition screen in an ostensibly healthy population. A literature search was performed for the gene, cDNA change, and amino acid change (where applicable). Publications were found based on this search. However, the evidence from the literature, in combination with allele frequency data from public databases where available, was not sufficient to rule this variant in or out of causing disease. Therefore, this variant is classified as a variant of unknown significance.

PreventionGenetics, part of Exact Sciences
Classification: Uncertain significance for COL6A3-related condition. Last evaluated: 2024-08-02. Review status: no assertion criteria provided. Collection method: clinical testing. Allele origin: germline. Not counted in ClinVar's aggregate classification.
Comment: The COL6A3 c.4399A>G variant is predicted to result in the amino acid substitution p.Asn1467Asp. This variant has been identified in an individual with either Ullrich Congenital Muscular Dystrophy or Bethlem Myopathy and in two individuals with Limb-Girdle Muscular Dystrophy (Lampe et al. 2005. PubMed ID: 15689448; Supplementary Table S7, Nallamilli et al. 2018. PubMed ID: 30564623). This variant has been reported in 0.78% of alleles in individuals of Ashkenazi Jewish descent in gnomAD. Although we suspect that this variant may be benign, at this time, the clinical significance of this variant is uncertain due to the absence of conclusive functional and genetic evidence.

Literature cited by the submitters: PubMed 15689448 (cited by Eurofins Ntd Llc (ga) and Illumina Laboratory Services, Illumina).

NM_004369.4(COL6A3):c.4399A>G (p.Asn1467Asp)

Gene: COL6A3 (collagen type VI alpha 3 chain; minus strand). Cytogenetic location: 2q37.3.
Variant type: single nucleotide variant.
Coding change: c.4399A>G on transcript NM_004369.4 (MANE Select); coding-DNA position 4399, A replaced by G.
Protein change: p.Asn1467Asp; replaces asparagine 1467 with aspartic acid.
Molecular consequence: missense variant.
Genome position (GRCh38, 1-based): chr2:237,369,064, T>C on the plus strand (A>G on the coding strand, the complement: COL6A3 is on the minus strand). VCF-style: chr2-237369064-T-C. GRCh37 (hg19) VCF-style: chr2-238277707-T-C.
Other names: c.2578A>G, p.Asn860Asp (NM_057166.5); c.3781A>G, p.Asn1261Asp (NM_057167.4); short protein forms N1261D, N860D.
Identifiers: ClinVar variation 94934 (VCV000094934.92), dbSNP rs138049094, ClinGen allele CA222606.